The following is an entry in ClinVar:

NC_000019.9:g.(?_1222964)_(1223191_?)del

Gene: STK11 (serine/threonine kinase 11; plus strand). Cytogenetic location: 19p13.3.
Variant type: Deletion.
Identifiers: ClinVar variation 3248407 (VCV003248407.1).

ClinVar aggregate classification (germline): Pathogenic (1 of 4 stars; one submission).

Conditions:
Peutz-Jeghers syndrome (PJS). Also called: POLYPOSIS, HAMARTOMATOUS INTESTINAL; POLYPS-AND-SPOTS SYNDROME; Peutz-Jeghers polyposis; Periorificial lentiginosis syndrome. Identifiers: Orphanet 2869, MedGen C0031269, MeSH D010580, MONDO:0008280, OMIM 175200.

Submission:

Labcorp Genetics (formerly Invitae), Labcorp
Classification: Pathogenic for Peutz-Jeghers syndrome. Last evaluated: 2023-12-12. Review status: criteria provided, single submitter. Criteria: Invitae Variant Classification Sherloc (09022015). Collection method: clinical testing. Allele origin: unknown.
Comment: This variant is a gross deletion of the genomic region encompassing exon(s) 8 of the STK11 gene. While this deletion is not anticipated to lead to nonsense mediated decay, it is expected to disrupt the C-terminus of the protein. A similar copy number variant has been observed in individual(s) with Peutz-Jeghers syndrome (PMID: 16287113, 24304607). This variant disrupts a region of the STK11 protein in which other variant(s) (p.Trp308Leu) have been determined to be pathogenic (Invitae). This suggests that this is a clinically significant region of the protein, and that variants that disrupt it are likely to be disease-causing. For these reasons, this variant has been classified as Pathogenic.

Literature cited by the submitters: PubMed 16287113; PubMed 24304607.